The following is an entry in ClinVar:

ClinVar aggregate classification (germline): Uncertain significance (1 of 4 stars; one submission).

Conditions:
Mitochondrial complex II deficiency, nuclear type 1. Also called: SUCCINATE CoQ REDUCTASE DEFICIENCY. Identifiers: Orphanet 3208, MedGen C5700310, MONDO:0100294, OMIM 252011.
Pheochromocytoma/paraganglioma syndrome 5. Also called: Paragangliomas 5; SDHA-Related Hereditary Paraganglioma-Pheochromocytoma Syndrome. Identifiers: Orphanet 29072, MedGen C3279992, MONDO:0013602, OMIM 614165.

Allele frequency attached by ClinVar (database versions not stated): gnomAD exomes below 0.00001.
gnomAD v4.1: 2 of 1,613,816 alleles (0.00012%); highest among the groups gnomAD compares: South Asian, 0.0022%; no homozygotes.

Submission:

Labcorp Genetics (formerly Invitae), Labcorp
Classification: Uncertain significance for Pheochromocytoma/paraganglioma syndrome 5; Mitochondrial complex II deficiency, nuclear type 1. Last evaluated: 2024-05-06. Review status: criteria provided, single submitter. Criteria: Invitae Variant Classification Sherloc (09022015). Collection method: clinical testing. Allele origin: germline.
Comment: This sequence change replaces leucine, which is neutral and non-polar, with proline, which is neutral and non-polar, at codon 225 of the SDHA protein (p.Leu225Pro). This variant is not present in population databases (gnomAD no frequency). This variant has not been reported in the literature in individuals affected with SDHA-related conditions. ClinVar contains an entry for this variant (Variation ID: 1476354). Advanced modeling of protein sequence and biophysical properties (such as structural, functional, and spatial information, amino acid conservation, physicochemical variation, residue mobility, and thermodynamic stability) has been performed at Invitae for this missense variant, however the output from this modeling did not meet the statistical confidence thresholds required to predict the impact of this variant on SDHA protein function. In summary, the available evidence is currently insufficient to determine the role of this variant in disease. Therefore, it has been classified as a Variant of Uncertain Significance.

NM_004168.4(SDHA):c.674T>C (p.Leu225Pro)

Gene: SDHA (succinate dehydrogenase complex flavoprotein subunit A; plus strand). Cytogenetic location: 5p15.33.
Variant type: single nucleotide variant.
Coding change: c.674T>C on transcript NM_004168.4 (MANE Select); coding-DNA position 674, T replaced by C.
Protein change: p.Leu225Pro; replaces leucine 225 with proline.
Molecular consequence: missense variant.
Genome position (GRCh38, 1-based): chr5:228,237, T>C. VCF-style: chr5-228237-T-C. GRCh37 (hg19) VCF-style: chr5-228352-T-C.
Other names: c.530T>C, p.Leu177Pro (NM_001294332.2); c.674T>C, p.Leu225Pro (NM_001330758.2); short protein forms L225P, L177P.
Identifiers: ClinVar variation 1476354 (VCV001476354.8), dbSNP rs2126558482, ClinGen allele CA359010908.